The following is an entry in ClinVar:

NM_004304.5(ALK):c.4586A>T (p.Asp1529Val)

Gene: ALK (ALK receptor tyrosine kinase; minus strand). Cytogenetic location: 2p23.2.
Variant type: single nucleotide variant.
Coding change: c.4586A>T on transcript NM_004304.5 (MANE Select); coding-DNA position 4586, A replaced by T.
Protein change: p.Asp1529Val; replaces aspartic acid 1529 with valine.
Molecular consequence: missense variant.
Genome position (GRCh38, 1-based): chr2:29,193,501, T>A on the plus strand (A>T on the coding strand, the complement: ALK is on the minus strand). VCF-style: chr2-29193501-T-A. GRCh37 (hg19) VCF-style: chr2-29416367-T-A.
Other names: c.1382A>T, p.Asp461Val (NM_001353765.2); short protein forms D1529V, D461V.
Identifiers: ClinVar variation 2477258 (VCV002477258.3), dbSNP rs1011355630, ClinGen allele CA346460670.

ClinVar aggregate classification (germline): Uncertain significance (1 of 4 stars; one submission).

Conditions:
Hereditary cancer-predisposing syndrome. Also called: Neoplastic Syndromes, Hereditary; Hereditary neoplastic syndrome; Tumor predisposition; Hereditary Cancer Syndrome. Identifiers: Orphanet 140162, MedGen C0027672, MeSH D009386, MONDO:0015356.

Allele frequency attached by ClinVar (database versions not stated): TOPMed below 0.00001; gnomAD 0.00001.
gnomAD v4.1: 1 of 1,614,072 alleles (0.000062%); highest among the groups gnomAD compares: African/African-American, 0.0013%; no homozygotes.

Submission:

Ambry Genetics
Classification: Uncertain significance for Hereditary cancer-predisposing syndrome. Last evaluated: 2025-10-15. Review status: criteria provided, single submitter. Criteria: Ambry Variant Classification Scheme 2023. Collection method: clinical testing. Allele origin: germline.
Comment: The p.D1529V variant (also known as c.4586A>T), located in coding exon 29 of the ALK gene, results from an A to T substitution at nucleotide position 4586. The aspartic acid at codon 1529 is replaced by valine, an amino acid with highly dissimilar properties. This amino acid position is conserved. In addition, this alteration is predicted to be tolerated by in silico analysis. Since supporting evidence is limited at this time, the clinical significance of this alteration remains unclear.